The following is an entry in ClinVar:

ClinVar aggregate classification (germline): Uncertain significance (1 of 4 stars; one submission).

Allele frequency attached by ClinVar (database versions not stated): TOPMed 0.00002; ExAC 0.00003; gnomAD 0.00003.
gnomAD v4.1: 30 of 1,612,504 alleles (0.0019%); highest among the groups gnomAD compares: Middle Eastern, 0.049%; no homozygotes.

Submission:

Labcorp Genetics (formerly Invitae), Labcorp
Classification: Uncertain significance. Last evaluated: 2022-02-18. Review status: criteria provided, single submitter. Criteria: Invitae Variant Classification Sherloc (09022015). Collection method: clinical testing. Allele origin: germline.
Comment: This sequence change replaces tryptophan, which is neutral and slightly polar, with cysteine, which is neutral and slightly polar, at codon 36 of the NAXE protein (p.Trp36Cys). This variant is present in population databases (rs764558323, gnomAD 0.01%). This variant has not been reported in the literature in individuals affected with NAXE-related conditions. Algorithms developed to predict the effect of missense changes on protein structure and function are either unavailable or do not agree on the potential impact of this missense change (SIFT: "Tolerated"; PolyPhen-2: "Possibly Damaging"; Align-GVGD: "Class C0"). In summary, the available evidence is currently insufficient to determine the role of this variant in disease. Therefore, it has been classified as a Variant of Uncertain Significance.

NM_144772.3(NAXE):c.108G>T (p.Trp36Cys)

Gene: NAXE (NAD(P)HX epimerase; plus strand). Cytogenetic location: 1q22.
Variant type: single nucleotide variant.
Coding change: c.108G>T on transcript NM_144772.3 (MANE Select); coding-DNA position 108, G replaced by T.
Protein change: p.Trp36Cys; replaces tryptophan 36 with cysteine.
Molecular consequence: missense variant.
Genome position (GRCh38, 1-based): chr1:156,591,912, G>T. VCF-style: chr1-156591912-G-T. GRCh37 (hg19) VCF-style: chr1-156561704-G-T.
Other names: short protein forms W36C.
Identifiers: ClinVar variation 2171998 (VCV002171998.1), dbSNP rs764558323, ClinGen allele CA1162639.